The following is an entry in ClinVar:

ClinVar aggregate classification (germline): Uncertain significance. Review status: criteria provided, multiple submitters, no conflicts (2 of 4 stars). 4 submissions from 4 submitters: Uncertain significance (4). Last evaluated 2025-09-14.

Conditions:
Hereditary cancer-predisposing syndrome. Also called: Neoplastic Syndromes, Hereditary; Tumor predisposition; Hereditary Cancer Syndrome; Hereditary neoplastic syndrome. Identifiers: Orphanet 140162, MedGen C0027672, MeSH D009386, MONDO:0015356.
Breast-ovarian cancer, familial, susceptibility to, 4. Identifiers: Orphanet 145, MedGen C3280345, MONDO:0013669, OMIM 614291.

Allele frequency attached by ClinVar (database versions not stated): gnomAD 0.00001; gnomAD exomes 0.00001; TOPMed 0.00001.
gnomAD v4.1: 23 of 1,614,088 alleles (0.0014%); highest among the groups gnomAD compares: Admixed American, 0.005%; no homozygotes.

Submissions (4):

Labcorp Genetics (formerly Invitae), Labcorp
Classification: Uncertain significance for Breast-ovarian cancer, familial, susceptibility to, 4. Last evaluated: 2025-09-14. Review status: criteria provided, single submitter. Criteria: Invitae Variant Classification Sherloc (09022015). Collection method: clinical testing. Allele origin: germline.
Comment: This sequence change replaces glycine, which is neutral and non-polar, with arginine, which is basic and polar, at codon 288 of the RAD51D protein (p.Gly288Arg). This variant is present in population databases (no rsID available, gnomAD 0.003%). This missense change has been observed in individual(s) with breast cancer and/or ovarian cancer (PMID: 26261251, 35264596). ClinVar contains an entry for this variant (Variation ID: 472625). Invitae Evidence Modeling of protein sequence and biophysical properties (such as structural, functional, and spatial information, amino acid conservation, physicochemical variation, residue mobility, and thermodynamic stability) indicates that this missense variant is not expected to disrupt RAD51D protein function with a negative predictive value of 80%. In summary, the available evidence is currently insufficient to determine the role of this variant in disease. Therefore, it has been classified as a Variant of Uncertain Significance.

Ambry Genetics
Classification: Uncertain significance for Hereditary cancer-predisposing syndrome. Last evaluated: 2025-03-28. Review status: criteria provided, single submitter. Criteria: Ambry Variant Classification Scheme 2023. Collection method: clinical testing. Allele origin: germline.
Comment: The p.G288R variant (also known as c.862G>C), located in coding exon 9 of the RAD51D gene, results from a G to C substitution at nucleotide position 862. The glycine at codon 288 is replaced by arginine, an amino acid with dissimilar properties. In one case-control study, this variant was identified in 1/3429 individuals with epithelial ovarian cancer and in 0/2772 unaffected controls (Song H et al. J. Clin. Oncol. 2015 Sep;33:2901-7). This variant was also detected in a cohort of 1663 Brazilian breast cancer patients who underwent hereditary multigene panel testing (Guindalini RSC et al. Sci Rep, 2022 Mar;12:4190). This amino acid position is not well conserved in available vertebrate species. In addition, this alteration is predicted to be tolerated by in silico analysis. Based on the available evidence, the clinical significance of this variant remains unclear.

Color Diagnostics, LLC DBA Color Health
Classification: Uncertain significance for Hereditary cancer-predisposing syndrome. Last evaluated: 2024-01-05. Review status: criteria provided, single submitter. Criteria: ACMG Guidelines, 2015. Collection method: clinical testing. Allele origin: germline.
Comment: This missense variant replaces glycine with arginine at codon 288 of the RAD51D protein. Computational prediction suggests that this variant may not impact protein structure and function. To our knowledge, functional studies have not been reported for this variant. In a case-control study, this variant was detected in 1/3429 invasive early-onset ovarian cancer cases and absent in 2,772 controls (PMID: 26261251). This variant has been identified in 2/251440 chromosomes in the general population by the Genome Aggregation Database (gnomAD). The available evidence is insufficient to determine the role of this variant in disease conclusively. Therefore, this variant is classified as a Variant of Uncertain Significance.

Mendelics
Classification: Uncertain significance for Breast-ovarian cancer, familial, susceptibility to, 4. Last evaluated: 2019-05-28. Review status: criteria provided, single submitter. Criteria: Mendelics Assertion Criteria 2017. Collection method: clinical testing. Allele origin: unknown.

Literature cited by the submitters: PubMed 26261251 (cited by 3 submitters); PubMed 35264596 (cited by Labcorp Genetics (formerly Invitae), Labcorp and Ambry Genetics).

NM_002878.4(RAD51D):c.862G>C (p.Gly288Arg)

Genes: RAD51L3-RFFL (RAD51L3-RFFL readthrough; minus strand), RAD51D (RAD51 paralog D; minus strand). Cytogenetic location: 17q12.
Variant type: single nucleotide variant.
Coding change: c.862G>C on transcript NM_002878.4 (MANE Select); coding-DNA position 862, G replaced by C.
Protein change: p.Gly288Arg; replaces glycine 288 with arginine.
Molecular consequence: missense variant. On other transcripts: non-coding transcript variant (3).
Genome position (GRCh38, 1-based): chr17:35,101,242, C>G on the plus strand (G>C on the coding strand, the complement: RAD51D is on the minus strand). VCF-style: chr17-35101242-C-G. GRCh37 (hg19) VCF-style: chr17-33428261-C-G.
Other names: c.922G>C, p.Gly308Arg (NM_001142571.2); c.526G>C, p.Gly176Arg (NM_133629.3); short protein forms G288R, G176R, G308R.
Identifiers: ClinVar variation 472625 (VCV000472625.16), dbSNP rs1391505912, ClinGen allele CA399086486.